The following is an entry in ClinVar:

NM_145059.3(FCSK):c.3007_3008del (p.Leu1003fs)

Gene: FCSK (fucose kinase; plus strand). Cytogenetic location: 16q22.1.
Variant type: Deletion.
Coding change: c.3007_3008del on transcript NM_145059.3 (MANE Select); coding-DNA positions 3007 to 3008, 2 bases deleted (CT; older notation c.3007_3008delCT).
Protein change: p.Leu1003fs; shifts the reading frame from leucine 1003.
Molecular consequence: frameshift variant.
Genome position (GRCh38, 1-based): chr16:70,479,257-70,479,258, CT deleted. VCF-style (leftmost placement, unchanged base first): chr16-70479256-CCT-C. GRCh37 (hg19) VCF-style: chr16-70513159-CCT-C.
Other names: short protein forms L1003fs.
Identifiers: ClinVar variation 2198741 (VCV002198741.4), dbSNP rs747308593, ClinGen allele CA8143841.

ClinVar aggregate classification (germline): Uncertain significance (1 of 4 stars; one submission).

Allele frequency attached by ClinVar (database versions not stated): gnomAD exomes 0.00001; ExAC 0.00003; gnomAD 0.00004; TOPMed 0.00032.

Submission:

Labcorp Genetics (formerly Invitae), Labcorp
Classification: Uncertain significance. Last evaluated: 2025-11-17. Review status: criteria provided, single submitter. Criteria: Invitae Variant Classification Sherloc (09022015). Collection method: clinical testing. Allele origin: germline.
Comment: This sequence change creates a premature translational stop signal (p.Leu1003Aspfs*59) in the FUK gene. While this is not anticipated to result in nonsense mediated decay, it is expected to disrupt the last 82 amino acid(s) of the FUK protein. This variant is present in population databases (rs747308593, gnomAD 0.01%). This variant has not been reported in the literature in individuals affected with FUK-related conditions. ClinVar contains an entry for this variant (Variation ID: 2198741). Experimental studies and prediction algorithms are not available or were not evaluated, and the functional significance of this variant is currently unknown. In summary, the available evidence is currently insufficient to determine the role of this variant in disease. Therefore, it has been classified as a Variant of Uncertain Significance.